The following is an entry in ClinVar:

ClinVar aggregate classification (germline): Uncertain significance. Review status: criteria provided, multiple submitters, no conflicts (2 of 4 stars). 2 submissions from 2 submitters: Uncertain significance (2). Last evaluated 2022-03-03.

Conditions:
Chondrosarcoma. Also called: Chondrosarcoma, somatic. Identifiers: Orphanet 55880, MedGen C0008479, MONDO:0008977, OMIM 215300, HP:0006765.
Exostoses, multiple, type 1 (EXT1). Also called: EXOSTOSES, MULTIPLE, TYPE I; Hereditary Multiple Osteochondromatosis, Type I. Identifiers: MedGen CN263289, MONDO:0007585, OMIM 133700.
Multiple congenital exostosis (EXT). Also called: Multiple exostoses; Hereditary multiple osteochondromas; Hereditary multiple exostoses; Hereditary multiple exostosis; Multiple osteochondromas; MULTIPLE CARTILAGINOUS EXOSTOSES. Identifiers: Orphanet 321, MedGen C0015306, MONDO:0005508, HP:0002762.

Allele frequency attached by ClinVar (database versions not stated): ExAC 0.00001; gnomAD exomes 0.00001; TOPMed 0.00002.
gnomAD v4.1: 23 of 1,614,084 alleles (0.0014%); highest among the groups gnomAD compares: Non-Finnish European, 0.0019%; no homozygotes.

Submissions (2):

Fulgent Genetics
Classification: Uncertain significance for Exostoses, multiple, type 1; Chondrosarcoma. Last evaluated: 2022-03-03. Review status: criteria provided, single submitter. Criteria: ACMG Guidelines, 2015. Collection method: clinical testing. Allele origin: unknown.

Labcorp Genetics (formerly Invitae), Labcorp
Classification: Uncertain significance for Multiple congenital exostosis. Last evaluated: 2021-12-18. Review status: criteria provided, single submitter. Criteria: Invitae Variant Classification Sherloc (09022015). Collection method: clinical testing. Allele origin: germline.
Comment: This sequence change replaces isoleucine, which is neutral and non-polar, with valine, which is neutral and non-polar, at codon 625 of the EXT1 protein (p.Ile625Val). In summary, the available evidence is currently insufficient to determine the role of this variant in disease. Therefore, it has been classified as a Variant of Uncertain Significance. Advanced modeling of protein sequence and biophysical properties (such as structural, functional, and spatial information, amino acid conservation, physicochemical variation, residue mobility, and thermodynamic stability) performed at Invitae indicates that this missense variant is not expected to disrupt EXT1 protein function. ClinVar contains an entry for this variant (Variation ID: 956988). This variant has not been reported in the literature in individuals affected with EXT1-related conditions. This variant is present in population databases (rs773393953, gnomAD 0.003%).

NM_000127.3(EXT1):c.1873A>G (p.Ile625Val)

Gene: EXT1 (exostosin glycosyltransferase 1; minus strand). Cytogenetic location: 8q24.11.
Variant type: single nucleotide variant.
Coding change: c.1873A>G on transcript NM_000127.3 (MANE Select); coding-DNA position 1873, A replaced by G.
Protein change: p.Ile625Val; replaces isoleucine 625 with valine.
Molecular consequence: missense variant.
Genome position (GRCh38, 1-based): chr8:117,807,227, T>C on the plus strand (A>G on the coding strand, the complement: EXT1 is on the minus strand). VCF-style: chr8-117807227-T-C. GRCh37 (hg19) VCF-style: chr8-118819466-T-C.
Other names: short protein forms I625V.
Identifiers: ClinVar variation 956988 (VCV000956988.9), dbSNP rs773393953, ClinGen allele CA4853998.
Genomic context (GRCh38, chr8:117,807,227, plus strand): 5'-AATATAAAAAGCTATGTAAAGTCTGTAAGAGACATGTCCAGATTCCTCACTTGTGGTAAA[T>C]AGCAGCTCCTGTCAACACCATGGAGTAGTCGTTCGTCCACTTTGATGTGTATCCCCACCG-3'
Protein context (NP_000118.2, residues 615-635): DYSMVLTGAA[Ile625Val]YHKYYHYLYS